The following is an entry in ClinVar:

NM_007194.4(CHEK2):c.663C>G (p.Ile221Met)

Gene: CHEK2 (checkpoint kinase 2; minus strand). Cytogenetic location: 22q12.1.
Variant type: single nucleotide variant.
Coding change: c.663C>G on transcript NM_007194.4 (MANE Select); coding-DNA position 663, C replaced by G.
Protein change: p.Ile221Met; replaces isoleucine 221 with methionine.
Molecular consequence: missense variant. On other transcripts: 5 prime UTR variant (2), intron variant (1).
Genome position (GRCh38, 1-based): chr22:28,719,415, G>C on the plus strand (C>G on the coding strand, the complement: CHEK2 is on the minus strand). VCF-style: chr22-28719415-G-C. GRCh37 (hg19) VCF-style: chr22-29115403-G-C.
Other names: p.I221M:ATC>ATG; c.792C>G, p.Ile264Met (NM_001005735.3, NM_001438294.1); c.-1C>G (NM_001257387.3, NM_001437942.1, NM_001257387.1); c.756C>G, p.Ile252Met (NM_001438293.1, NM_001438295.1); c.663C>G, p.Ile221Met (NM_145862.3); c.482+5471C>G (NM_001349956.3); c.792C>G (NM_001005735.2); short protein forms I221M, I264M, I252M.
Identifiers: ClinVar variation 142342 (VCV000142342.50), dbSNP rs200451612, ClinGen allele CA294367.

ClinVar aggregate classification (germline): Conflicting classifications of pathogenicity. Review status: criteria provided, conflicting classifications (1 of 4 stars). 14 submissions from 14 submitters: Uncertain significance (9); Likely benign (4). 1 of the submissions does not count toward it. Last evaluated 2026-03-30.

Conditions:
Predisposition to cancer.
CHEK2-related disorder.
Hereditary nonpolyposis colon cancer (HNPCC). Also called: Hereditary nonpolyposis colorectal cancer; Familial nonpolyposis colon cancer; Hereditary Nonpolyposis Colorectal Cancer Syndrome. Identifiers: Orphanet 443909, MedGen C1333990, MONDO:0018630. Disease mechanism: loss of function.
Hereditary cancer-predisposing syndrome. Also called: Tumor predisposition; Neoplastic Syndromes, Hereditary; Hereditary neoplastic syndrome; Hereditary Cancer Syndrome. Identifiers: Orphanet 140162, MedGen C0027672, MeSH D009386, MONDO:0015356.
CHEK2-related cancer predisposition (TPDS4). Also called: TUMOR PREDISPOSITION SYNDROME 4; CANCER PREDISPOSITION SYNDROME, CHEK2-RELATED; CHEK2-related cancer susceptibility. Identifiers: Orphanet 524, MedGen C5882668, MONDO:0700271, OMIM 609265.
Familial cancer of breast. Also called: BREAST CANCER, FAMILIAL; Hereditary breast cancer; hereditary breast carcinoma. Identifiers: Orphanet 227535, MedGen C0346153, MONDO:0016419, OMIM 114480. Disease mechanism: loss of function.

Allele frequency attached by ClinVar (database versions not stated): gnomAD exomes 0.00002 and 0.00004; ExAC 0.00009; ESP Exome Variant Server 0.00015; gnomAD 0.00025 and 0.00027; TOPMed 0.00033; 1000 Genomes Project 0.00080; 1000 Genomes Project 30x 0.00109.
gnomAD v4.1: 67 of 1,589,632 alleles (0.0042%); highest among the groups gnomAD compares: African/African-American, 0.07%; 1 homozygote.

Submissions 1 to 8 of 14:

Institute for Biomarker Research, Medical Diagnostic Laboratories, L.L.C.
Classification: Uncertain significance for Hereditary cancer-predisposing syndrome. Last evaluated: 2026-03-30. Review status: criteria provided, single submitter. Criteria: ACMG Guidelines, 2015. Collection method: clinical testing. Allele origin: germline.
Comment: The missense variant NM_001005735.2(CHEK2):c.792C>G (p.Ile264Met) has not been reported previously as a pathogenic variant, to our knowledge (Accession: VCV000142342.48). The variant is observed in one or more well-documented healthy adults. There is a small physicochemical difference between isoleucine and methionine, which is not likely to impact secondary protein structure as these residues share similar properties. For these reasons, this variant has been classified as Uncertain Significance.

Labcorp Genetics (formerly Invitae), Labcorp
Classification: Uncertain significance for Familial cancer of breast. Last evaluated: 2026-01-26. Review status: criteria provided, single submitter. Criteria: Invitae Variant Classification Sherloc (09022015). Collection method: clinical testing. Allele origin: germline.
Comment: This sequence change replaces isoleucine, which is neutral and non-polar, with methionine, which is neutral and non-polar, at codon 221 of the CHEK2 protein (p.Ile221Met). This variant is present in population databases (rs200451612, gnomAD 0.05%), and has an allele count higher than expected for a pathogenic variant. This missense change has been observed in individual(s) with breast cancer (PMID: 21244692). ClinVar contains an entry for this variant (Variation ID: 142342). An algorithm developed to predict the effect of missense changes on protein structure and function (PolyPhen-2) suggests that this variant is likely to be disruptive. Experimental studies have shown that this missense change does not substantially affect CHEK2 function (PMID: 30851065, 37449874). In summary, the available evidence is currently insufficient to determine the role of this variant in disease. Therefore, it has been classified as a Variant of Uncertain Significance.

Women's Health and Genetics/Laboratory Corporation of America, LabCorp
Classification: Likely benign. Last evaluated: 2025-09-16. Review status: criteria provided, single submitter. Criteria: LabCorp Variant Classification Summary - May 2015. Collection method: clinical testing. Allele origin: germline.
Comment: Variant summary: CHEK2 c.663C>G (p.Ile221Met) results in a conservative amino acid change located in the Protein kinase domain (IPR000719) of the encoded protein sequence. Algorithms developed to predict the effect of missense changes on protein structure and function are either unavailable or do not agree on the potential impact of this missense change. The variant allele was found at a frequency of 4.2e-05 in 1591850 control chromosomes, predominantly at a frequency of 0.0007 within the African or African-American subpopulation in the gnomAD database. The observed variant frequency within African or African-American control individuals in the gnomAD database exceeds the estimated maximal expected allele frequency for disease-causing variants in CHEK2. Additionally, the variant was reported in 6/2559 African American women (carrier frequency of 0.002345), who were older than 70 years of age with no personal history of cancer (FLOSSIES database). c.663C>G has been observed in an individual affected with Breast Cancer, without evidence for causality (e.g. Le Calvez-Kelm 2011). These reports do not provide unequivocal conclusions about association of the variant with Hereditary Breast And Ovarian Cancer Syndrome. Experimental evidence from a yeast complementation assay (Delimitsou_2019), CHEK2-complementation assay, and KAP1 phosphorylation assays (Stolarova_2023) indicated that the variant did not have a damaging effect on protein function. The following publications have been ascertained in the context of this evaluation (PMID: 30851065, 21244692, 27720647, 37449874, 26787654). ClinVar contains an entry for this variant (Variation ID: 142342). Based on the evidence outlined above, the variant was classified as likely benign.

PreventionGenetics, part of Exact Sciences
Classification: Uncertain significance for CHEK2-related condition. Last evaluated: 2025-05-23. Review status: criteria provided, single submitter. Criteria: ACMG Guidelines, 2015. Collection method: clinical testing. Allele origin: germline.
Comment: The CHEK2 c.-1C>G variant is located in the 5' untranslated region. This variant has been identified in 4 individuals with breast and/or ovarian cancer (Supplementary Table 1, Le Calvez-Kelm et al. 2011. PubMed ID: 21244692; Table S4, Maxwell et al. 2016. PubMed ID: 27153395). Functional assessment using a combination of in silico tools produced conflicting results; however, an assessment using a yeast functional assay suggested that this variant is benign (Table 1, Delimitsou et al. 2019. PubMed ID: 30851065). This variant has been observed with a subpopulation frequency of 0.05% in the gnomAD database, which may be too common to be a primary cause of disease. This variant has conflicting interpretations regarding its pathogenicity in ClinVar, ranging from likely benign (4) to uncertain (8). Although, we suspect that this variant may be benign, at this time, the clinical significance of this variant is uncertain due to the absence of conclusive functional and genetic evidence.

Quest Diagnostics Nichols Institute San Juan Capistrano
Classification: Uncertain significance. Last evaluated: 2025-02-20. Review status: criteria provided, single submitter. Criteria: Quest Diagnostics criteria. Collection method: clinical testing. Allele origin: unknown.
Comment: The CHEK2 c.663C>G (p.Ile221Met) variant has been reported in the published literature in individuals with a personal and/or family history of breast/ovarian cancer (PMIDs: 21244692 (2011), 27153395 (2016), 32936981 (2021)). Functional studies reported this variant to have no damaging effect on CHEK2 function (PMIDs: 30851065 (2019), 37449874 (2023)). The frequency of this variant in the general population (Genome Aggregation Database) is uninformative in the assessment of its pathogenicity. Based on the available information, we are unable to determine the clinical significance of this variant.

GeneDx
Classification: Uncertain significance. Last evaluated: 2024-08-12. Review status: criteria provided, single submitter. Criteria: GeneDx Variant Classification Process June 2021. Collection method: clinical testing. Allele origin: germline. Affected: yes.
Comment: Not observed at significant frequency in large population cohorts (gnomAD); In silico analysis indicates that this missense variant does not alter protein structure/function; This variant is associated with the following publications: (PMID: 27720647, 19782031, 21244692, 26787654, 27153395, 32936981, 22419737, 37449874, 30851065, 32832836)

Color Diagnostics, LLC DBA Color Health
Classification: Uncertain significance for Hereditary cancer-predisposing syndrome. Last evaluated: 2024-03-04. Review status: criteria provided, single submitter. Criteria: ACMG Guidelines, 2015. Collection method: clinical testing. Allele origin: germline.
Comment: This missense variant replaces isoleucine with methionine at codon 221 of the CHEK2 protein. Computational prediction tool suggests that this variant may not impact protein structure and function. Functional studies have shown this variant to have neutral effect on CHEK2 protein function in a DNA damage repair assay in yeast (PMID: 30851065) and no impact on CHEK2 autophosphorylation and KAP1 phosphorylation in a human cell complementation assay (PMID: 37449874). This variant has been reported in individuals affected with breast cancer (PMID: 21244692, 32936981). In a case-control meta-analysis, this variant was reported in 7/73048 breast cancer cases and 7/88658 unaffected controls (PMID: 37449874). This variant has also been identified in 16/260244 chromosomes in the general population by the Genome Aggregation Database (gnomAD) and in seven females over age 70 who lack personal history of cancer (FLOSSIES). The available evidence is insufficient to determine the role of this variant in disease conclusively. Therefore, this variant is classified as a Variant of Uncertain Significance.

Baylor Genetics
Classification: Uncertain significance for Familial cancer of breast. Last evaluated: 2024-02-06. Review status: criteria provided, single submitter. Criteria: ACMG Guidelines, 2015. Collection method: clinical testing. Allele origin: unknown.